The following is an entry in ClinVar:

NM_000264.5(PTCH1):c.307G>C (p.Val103Leu)

Gene: PTCH1 (patched 1; minus strand). Cytogenetic location: 9q22.32.
Variant type: single nucleotide variant.
Coding change: c.307G>C on transcript NM_000264.5 (MANE Select); coding-DNA position 307, G replaced by C.
Protein change: p.Val103Leu; replaces valine 103 with leucine.
Molecular consequence: missense variant. On other transcripts: 5 prime UTR variant (4), non-coding transcript variant (1).
Genome position (GRCh38, 1-based): chr9:95,506,494, C>G on the plus strand (G>C on the coding strand, the complement: PTCH1 is on the minus strand). VCF-style: chr9-95506494-C-G. GRCh37 (hg19) VCF-style: chr9-98268776-C-G.
Other names: c.109G>C, p.Val37Leu (NM_001083602.3, NM_001354919.2); c.304G>C, p.Val102Leu (NM_001083603.3); c.-147G>C (NM_001083604.3, NM_001083605.3, NM_001083606.3 and 1 more transcripts); c.307G>C, p.Val103Leu (NM_001354918.2); short protein forms V102L, V37L, V103L.
Identifiers: ClinVar variation 2839329 (VCV002839329.3), dbSNP rs2118877173, ClinGen allele CA374120309.

ClinVar aggregate classification (germline): Uncertain significance (1 of 4 stars; one submission).

Conditions:
Gorlin syndrome. Also called: Nevoid Basal Cell Carcinoma Syndrome; Basal cell nevus syndrome. Identifiers: Orphanet 377, MedGen C0004779, MONDO:0007187.

Submission:

Labcorp Genetics (formerly Invitae), Labcorp
Classification: Uncertain significance for Gorlin syndrome. Last evaluated: 2023-02-21. Review status: criteria provided, single submitter. Criteria: Invitae Variant Classification Sherloc (09022015). Collection method: clinical testing. Allele origin: germline.
Comment: This variant is not present in population databases (gnomAD no frequency). This sequence change replaces valine, which is neutral and non-polar, with leucine, which is neutral and non-polar, at codon 103 of the PTCH1 protein (p.Val103Leu). This variant has not been reported in the literature in individuals affected with PTCH1-related conditions. In summary, the available evidence is currently insufficient to determine the role of this variant in disease. Therefore, it has been classified as a Variant of Uncertain Significance. Advanced modeling of protein sequence and biophysical properties (such as structural, functional, and spatial information, amino acid conservation, physicochemical variation, residue mobility, and thermodynamic stability) performed at Invitae indicates that this missense variant is not expected to disrupt PTCH1 protein function.